The following is an entry in ClinVar:

ClinVar aggregate classification (germline): Likely benign (1 of 4 stars; one submission).

Allele frequency attached by ClinVar (database versions not stated): gnomAD exomes 0.00004; gnomAD 0.00006; ESP Exome Variant Server 0.00008; TOPMed 0.00008; ExAC 0.00009.
gnomAD v4.1: 71 of 1,614,116 alleles (0.0044%); highest among the groups gnomAD compares: Middle Eastern, 0.049%; no homozygotes.

Submission:

CeGaT Center for Human Genetics Tuebingen
Classification: Likely benign. Last evaluated: 2024-01-01. Review status: criteria provided, single submitter. Criteria: CeGaT Center For Human Genetics Tuebingen Variant Classification Criteria Version 2. Collection method: clinical testing. Allele origin: germline. Affected: yes. Observed: 1 variant allele.
Comment: SHANK2: BP4, BS2

NM_012309.5(SHANK2):c.1854-59G>A

Gene: SHANK2 (SH3 and multiple ankyrin repeat domains 2; minus strand). Cytogenetic location: 11q13.4.
Variant type: single nucleotide variant.
Coding change: c.1854-59G>A on transcript NM_012309.5 (MANE Select); 59 bases into the intron before coding-DNA position 1854, G replaced by A.
Molecular consequence: intron variant. On other transcripts: missense variant (1), non-coding transcript variant (1).
Genome position (GRCh38, 1-based): chr11:70,661,737, C>T on the plus strand (G>A on the coding strand, the complement: SHANK2 is on the minus strand). VCF-style: chr11-70661737-C-T. GRCh37 (hg19) VCF-style: chr11-70507842-C-T.
Other names: c.31G>A, p.Ala11Thr (NM_133266.5); c.717-59G>A (NM_001379226.1); short protein forms A11T.
Identifiers: ClinVar variation 3025106 (VCV003025106.22), dbSNP rs149581714, ClinGen allele CA6161713.